The following is an entry in ClinVar:

ClinVar aggregate classification (germline): Uncertain significance (1 of 4 stars; one submission).

Conditions:
EGFR-related lung cancer (EGFR). Identifiers: MedGen CN130014.

Submission:

Labcorp Genetics (formerly Invitae), Labcorp
Classification: Uncertain significance for EGFR-related lung cancer. Last evaluated: 2025-07-07. Review status: criteria provided, single submitter. Criteria: Invitae Variant Classification Sherloc (09022015). Collection method: clinical testing. Allele origin: germline.
Comment: This sequence change replaces alanine, which is neutral and non-polar, with valine, which is neutral and non-polar, at codon 419 of the EGFR protein (p.Ala419Val). This variant is not present in population databases (gnomAD no frequency). This variant has not been reported in the literature in individuals affected with EGFR-related conditions. ClinVar contains an entry for this variant (Variation ID: 2820197). Invitae Evidence Modeling of protein sequence and biophysical properties (such as structural, functional, and spatial information, amino acid conservation, physicochemical variation, residue mobility, and thermodynamic stability) indicates that this missense variant is not expected to disrupt EGFR protein function with a negative predictive value of 80%. In summary, the available evidence is currently insufficient to determine the role of this variant in disease. Therefore, it has been classified as a Variant of Uncertain Significance.

NM_005228.5(EGFR):c.1256C>T (p.Ala419Val)

Gene: EGFR (epidermal growth factor receptor; plus strand). Cytogenetic location: 7p11.2.
Variant type: single nucleotide variant.
Coding change: c.1256C>T on transcript NM_005228.5 (MANE Select); coding-DNA position 1256, C replaced by T.
Protein change: p.Ala419Val; replaces alanine 419 with valine.
Molecular consequence: missense variant.
Genome position (GRCh38, 1-based): chr7:55,157,711, C>T. VCF-style: chr7-55157711-C-T. GRCh37 (hg19) VCF-style: chr7-55225404-C-T.
Other names: c.1121C>T, p.Ala374Val (NM_001346897.2, NM_001346899.2); c.1256C>T, p.Ala419Val (NM_001346898.2, NM_201282.2, NM_201284.2); c.1097C>T, p.Ala366Val (NM_001346900.2); c.455C>T, p.Ala152Val (NM_001346941.2); short protein forms A366V, A374V, A419V, A152V.
Identifiers: ClinVar variation 2820197 (VCV002820197.3), dbSNP rs2128939689, ClinGen allele CA367579199.